The following is an entry in ClinVar:

ClinVar aggregate classification (germline): Uncertain significance. Review status: criteria provided, multiple submitters, no conflicts (2 of 4 stars). 5 submissions from 5 submitters: Uncertain significance (3). 2 of the submissions do not count toward it. Last evaluated 2025-05-21.

Conditions:
Hereditary cancer-predisposing syndrome. Also called: Hereditary neoplastic syndrome; Neoplastic Syndromes, Hereditary; Tumor predisposition; Hereditary Cancer Syndrome. Identifiers: Orphanet 140162, MedGen C0027672, MeSH D009386, MONDO:0015356.
Microcephaly, normal intelligence and immunodeficiency (NBS). Also called: IMMUNODEFICIENCY, MICROCEPHALY, AND CHROMOSOMAL INSTABILITY; SEEMANOVA SYNDROME II; Nijmegen breakage syndrome; Microcephaly with normal intelligence immunodeficiency and lymphoreticular malignancies; Nonsyndromal microcephaly autosomal recessive with normal intelligence; Seemanova syndrome 2. Identifiers: Orphanet 647, MedGen C0398791, MONDO:0009623, OMIM 251260.

Allele frequency attached by ClinVar (database versions not stated): gnomAD exomes below 0.00001; ExAC 0.00001; gnomAD 0.00001.
gnomAD v4.1: 7 of 1,612,394 alleles (0.00043%); highest among the groups gnomAD compares: Non-Finnish European, 0.00059%; no homozygotes.

Submissions (5):

Ambry Genetics
Classification: Uncertain significance for Hereditary cancer-predisposing syndrome. Last evaluated: 2025-05-21. Review status: criteria provided, single submitter. Criteria: Ambry Variant Classification Scheme 2023. Collection method: clinical testing. Allele origin: germline.
Comment: The p.A734V variant (also known as c.2201C>T), located in coding exon 15 of the NBN gene, results from a C to T substitution at nucleotide position 2201. The alanine at codon 734 is replaced by valine, an amino acid with similar properties. This alteration was detected in 1/5589 German BRCA1/2-negative probands with breast cancer (Hauke J et al. Cancer Med, 2018 04;7:1349-1358). This amino acid position is highly conserved in available vertebrate species. In addition, this alteration is predicted to be tolerated by in silico analysis. Since supporting evidence is limited at this time, the clinical significance of this alteration remains unclear.

Labcorp Genetics (formerly Invitae), Labcorp
Classification: Uncertain significance for Microcephaly, normal intelligence and immunodeficiency. Last evaluated: 2023-04-28. Review status: criteria provided, single submitter. Criteria: Invitae Variant Classification Sherloc (09022015). Collection method: clinical testing. Allele origin: germline.
Comment: In summary, the available evidence is currently insufficient to determine the role of this variant in disease. Therefore, it has been classified as a Variant of Uncertain Significance. An algorithm developed to predict the effect of missense changes on protein structure and function (PolyPhen-2) suggests that this variant is likely to be disruptive. This sequence change replaces alanine, which is neutral and non-polar, with valine, which is neutral and non-polar, at codon 734 of the NBN protein (p.Ala734Val). The frequency data for this variant in the population databases is considered unreliable, as metrics indicate poor data quality at this position in the gnomAD database. This variant has not been reported in the literature in individuals affected with NBN-related conditions. ClinVar contains an entry for this variant (Variation ID: 483988).

Genome-Nilou Lab
Classification: Uncertain significance for Microcephaly, normal intelligence and immunodeficiency. Last evaluated: 2021-11-07. Review status: criteria provided, single submitter. Criteria: ACMG Guidelines, 2015. Collection method: clinical testing. Allele origin: germline. Affected: no.

Clinical Genetics DNA and cytogenetics Diagnostics Lab, Erasmus MC, Erasmus Medical Center
Classification: Uncertain significance. Review status: no assertion criteria provided. Collection method: clinical testing. Allele origin: germline. Affected: yes. Study: VKGL Data-share Consensus. Not counted in ClinVar's aggregate classification.

Diagnostic Laboratory, Department of Genetics, University Medical Center Groningen
Classification: Uncertain significance. Review status: no assertion criteria provided. Collection method: clinical testing. Allele origin: germline. Affected: yes. Study: VKGL Data-share Consensus. Not counted in ClinVar's aggregate classification.

Literature cited by the submitters: PubMed 29522266 (cited by Ambry Genetics).

NM_002485.5(NBN):c.2201C>T (p.Ala734Val)

Gene: NBN (nibrin; minus strand). Cytogenetic location: 8q21.3.
Variant type: single nucleotide variant.
Coding change: c.2201C>T on transcript NM_002485.5 (MANE Select); coding-DNA position 2201, C replaced by T.
Protein change: p.Ala734Val; replaces alanine 734 with valine.
Molecular consequence: missense variant.
Genome position (GRCh38, 1-based): chr8:89,937,059, G>A on the plus strand (C>T on the coding strand, the complement: NBN is on the minus strand). VCF-style: chr8-89937059-G-A. GRCh37 (hg19) VCF-style: chr8-90949287-G-A.
Other names: c.1955C>T, p.Ala652Val (NM_001024688.3); short protein forms A734V, A652V.
Identifiers: ClinVar variation 483988 (VCV000483988.22), dbSNP rs751824753, ClinGen allele CA4802588.
Genomic context (GRCh38, chr8:89,937,059, plus strand): 5'-ACATGAGAAAGGTGAATCAAACTTTACCTAAAAAGATCATCAGCAAGAGACTCTTCTTTT[G>A]CATGTTGATTTTGTACCTGTCAAAATTAACATAATTTCAAACATTTGCTCAGTGGTGAAT-3'
Protein context (NP_002476.2, residues 724-744): RQEMEVQNQH[Ala734Val]KEESLADDLF